The following is an entry in ClinVar:

NM_006734.4(HIVEP2):c.4557G>A (p.Ser1519=)

Gene: HIVEP2 (HIVEP zinc finger 2; minus strand). Cytogenetic location: 6q24.2.
Variant type: single nucleotide variant.
Coding change: c.4557G>A on transcript NM_006734.4 (MANE Select); coding-DNA position 4557, G replaced by A.
Protein change: p.Ser1519=; no amino-acid change (serine 1519 retained).
Molecular consequence: synonymous variant.
Genome position (GRCh38, 1-based): chr6:142,770,182, C>T on the plus strand (G>A on the coding strand, the complement: HIVEP2 is on the minus strand). VCF-style: chr6-142770182-C-T. GRCh37 (hg19) VCF-style: chr6-143091319-C-T.
Identifiers: ClinVar variation 2871272 (VCV002871272.5), dbSNP rs933676864, ClinGen allele CA149014796.
Genomic context (GRCh38, chr6:142,770,182, plus strand): 5'-GGGCAGGAATGGCTCCCTGGAAGACGGGCTAACAGAAGGATAGTCTTGAGATGAGGAGGG[C>T]GACAGCGAGGAGAAGGAAGATGACCCTGACTGCAAGCCATCTTTTGGCTCAGAAGCACAT-3'
Protein context (NP_006725.3, residues 1509-1529): QSGSSSFSSL[Ser1519=]PSSSQDYPSV

ClinVar aggregate classification (germline): Likely benign. Review status: criteria provided, multiple submitters, no conflicts (2 of 4 stars). 2 submissions from 2 submitters: Likely benign (2). Last evaluated 2026-06-01.

Allele frequency attached by ClinVar (database versions not stated): gnomAD 0.00002; TOPMed 0.00012.
gnomAD v4.1: 13 of 1,614,012 alleles (0.00081%); highest among the groups gnomAD compares: Admixed American, 0.0067%; no homozygotes.

Submissions (2):

CeGaT Center for Human Genetics Tuebingen
Classification: Likely benign. Last evaluated: 2026-06-01. Review status: criteria provided, single submitter. Criteria: CeGaT Center For Human Genetics Tuebingen Variant Classification Criteria Version 2. Collection method: clinical testing. Allele origin: germline. Affected: yes. Observed: 1 variant allele.
Comment: HIVEP2: BP4, BP7

Labcorp Genetics (formerly Invitae), Labcorp
Classification: Likely benign. Last evaluated: 2025-10-28. Review status: criteria provided, single submitter. Criteria: Invitae Variant Classification Sherloc (09022015). Collection method: clinical testing. Allele origin: germline.